The following is an entry in ClinVar:

ClinVar aggregate classification (germline): Conflicting classifications of pathogenicity. Review status: criteria provided, conflicting classifications (1 of 4 stars). 3 submissions from 3 submitters: Uncertain significance (2); Likely benign (1). Last evaluated 2024-04-24.

Conditions:
Inborn genetic diseases. Identifiers: MedGen C0950123, MeSH D030342.
Senior-Loken syndrome 1 (SLSN1). Also called: JUVENILE NEPHRONOPHTHISIS WITH LEBER AMAUROSIS. Identifiers: Orphanet 3156, MedGen C4551559, MONDO:0009962, OMIM 266900.
Nephronophthisis 1 (NPHP1). Also called: Nephronophthisis familial juvenile. Identifiers: Orphanet 655, Orphanet 93592, MedGen C1855681, MONDO:0009728, OMIM 256100.
Joubert syndrome with renal defect. Also called: JOUBERT SYNDROME 4. Identifiers: Orphanet 220497, MedGen C1846790, MONDO:0012308, OMIM 609583.
Nephronophthisis. Also called: Juvenile Nephronophthisis. Identifiers: Orphanet 655, MedGen C0687120, MONDO:0019005, HP:0000090.

Allele frequency attached by ClinVar (database versions not stated): TOPMed 0.00004.
gnomAD v4.1: 40 of 1,582,472 alleles (0.0025%); highest among the groups gnomAD compares: East Asian, 0.089%; no homozygotes.

Submissions (3):

Fulgent Genetics
Classification: Uncertain significance for Nephronophthisis 1; Senior-Loken syndrome 1; Joubert syndrome with renal defect. Last evaluated: 2024-04-24. Review status: criteria provided, single submitter. Criteria: ACMG Guidelines, 2015. Collection method: clinical testing. Allele origin: germline.

Ambry Genetics
Classification: Likely benign for Inborn genetic diseases. Last evaluated: 2023-05-03. Review status: criteria provided, single submitter. Criteria: Ambry Variant Classification Scheme 2023. Collection method: clinical testing. Allele origin: germline.

Labcorp Genetics (formerly Invitae), Labcorp
Classification: Uncertain significance for Nephronophthisis. Last evaluated: 2022-10-24. Review status: criteria provided, single submitter. Criteria: Invitae Variant Classification Sherloc (09022015). Collection method: clinical testing. Allele origin: germline.
Comment: This sequence change replaces arginine, which is basic and polar, with glycine, which is neutral and non-polar, at codon 445 of the NPHP1 protein (p.Arg445Gly). This variant is present in population databases (rs375907280, gnomAD 0.07%). This variant has not been reported in the literature in individuals affected with NPHP1-related conditions. ClinVar contains an entry for this variant (Variation ID: 840796). Advanced modeling of protein sequence and biophysical properties (such as structural, functional, and spatial information, amino acid conservation, physicochemical variation, residue mobility, and thermodynamic stability) performed at Invitae indicates that this missense variant is not expected to disrupt NPHP1 protein function. In summary, the available evidence is currently insufficient to determine the role of this variant in disease. Therefore, it has been classified as a Variant of Uncertain Significance.

NM_001128178.3(NPHP1):c.1165C>G (p.Arg389Gly)

Gene: NPHP1 (nephrocystin 1; minus strand). Cytogenetic location: 2q13.
Variant type: single nucleotide variant.
Coding change: c.1165C>G on transcript NM_001128178.3 (MANE Select); coding-DNA position 1165, C replaced by G.
Protein change: p.Arg389Gly; replaces arginine 389 with glycine.
Molecular consequence: missense variant.
Genome position (GRCh38, 1-based): chr2:110,148,020, G>C on the plus strand (C>G on the coding strand, the complement: NPHP1 is on the minus strand). VCF-style: chr2-110148020-G-C. GRCh37 (hg19) VCF-style: chr2-110905597-G-C.
Other names: c.1333C>G, p.Arg445Gly (NM_000272.5); c.1333C>G (NM_000272.4); c.976C>G, p.Arg326Gly (NM_001128179.3); c.1162C>G, p.Arg388Gly (NM_001374256.1); c.1165C>G, p.Arg389Gly (NM_001374257.1); c.1330C>G, p.Arg444Gly (NM_207181.4); short protein forms R326G, R388G, R444G, R389G, R445G.
Identifiers: ClinVar variation 840796 (VCV000840796.9), dbSNP rs375907280, ClinGen allele CA1827101.